The following is an entry in ClinVar:

ClinVar aggregate classification (germline): Uncertain significance (1 of 4 stars; one submission).

Allele frequency attached by ClinVar (database versions not stated): gnomAD exomes below 0.00001; ExAC 0.00001; TOPMed 0.00001; gnomAD 0.00004.
gnomAD v4.1: 10 of 1,614,106 alleles (0.00062%); highest among the groups gnomAD compares: Admixed American, 0.013%; no homozygotes.

Submission:

CeGaT Center for Human Genetics Tuebingen
Classification: Uncertain significance. Last evaluated: 2023-08-01. Review status: criteria provided, single submitter. Criteria: CeGaT Center For Human Genetics Tuebingen Variant Classification Criteria Version 2. Collection method: clinical testing. Allele origin: germline. Affected: yes. Observed: 1 variant allele.
Comment: SRPRA: PP3

NM_003139.4(SRPRA):c.1352T>C (p.Ile451Thr)

Gene: SRPRA (SRP receptor subunit alpha; minus strand). Cytogenetic location: 11q24.2.
Variant type: single nucleotide variant.
Coding change: c.1352T>C on transcript NM_003139.4 (MANE Select); coding-DNA position 1352, T replaced by C.
Protein change: p.Ile451Thr; replaces isoleucine 451 with threonine.
Molecular consequence: missense variant.
Genome position (GRCh38, 1-based): chr11:126,265,132, A>G on the plus strand (T>C on the coding strand, the complement: SRPRA is on the minus strand). VCF-style: chr11-126265132-A-G. GRCh37 (hg19) VCF-style: chr11-126135027-A-G.
Other names: c.1268T>C, p.Ile423Thr (NM_001177842.2); short protein forms I423T, I451T.
Identifiers: ClinVar variation 2642524 (VCV002642524.24), dbSNP rs773233317, ClinGen allele CA6353371.